The following is an entry in ClinVar:

NC_000002.12:g.223752827G>A

Gene: AP1S3 (adaptor related protein complex 1 subunit sigma 3; minus strand). Cytogenetic location: 2q36.1.
Variant type: single nucleotide variant.
Genome position: GRCh38 VCF-style: chr2-223752827-G-A. GRCh37 (hg19) VCF-style: chr2-224617544-G-A.
Identifiers: ClinVar variation 3772193 (VCV003772193.13).

ClinVar aggregate classification (germline): Likely benign (1 of 4 stars; one submission).

Submission:

CeGaT Center for Human Genetics Tuebingen
Classification: Likely benign. Last evaluated: 2024-12-01. Review status: criteria provided, single submitter. Criteria: CeGaT Center For Human Genetics Tuebingen Variant Classification Criteria Version 2. Collection method: clinical testing. Allele origin: germline. Affected: yes. Observed: 1 variant allele.
Comment: AP1S3: PM2:Supporting, BP4, BP7